The following is an entry in ClinVar:

ClinVar aggregate classification (germline): Uncertain significance (1 of 4 stars; one submission).

Conditions:
Congenital muscular dystrophy due to integrin alpha-7 deficiency. Also called: MYOPATHY, CONGENITAL, DUE TO INTEGRIN ALPHA-7 DEFICIENCY; Congenital muscular dystrophy with integrin alpha-7 deficiency; Muscular dystrophy, congenital, due to ITGA7 deficiency. Identifiers: Orphanet 34520, MedGen C2750786, MONDO:0013177, OMIM 613204.

Submission:

Labcorp Genetics (formerly Invitae), Labcorp
Classification: Uncertain significance for Congenital muscular dystrophy due to integrin alpha-7 deficiency. Last evaluated: 2022-08-09. Review status: criteria provided, single submitter. Criteria: Invitae Variant Classification Sherloc (09022015). Collection method: clinical testing. Allele origin: germline.
Comment: This sequence change falls in intron 24 of the ITGA7 gene. It does not directly change the encoded amino acid sequence of the ITGA7 protein. It affects a nucleotide within the consensus splice site. This variant is not present in population databases (gnomAD no frequency). This variant has not been reported in the literature in individuals affected with ITGA7-related conditions. ClinVar contains an entry for this variant (Variation ID: 1499595). Variants that disrupt the consensus splice site are a relatively common cause of aberrant splicing (PMID: 17576681, 9536098). Algorithms developed to predict the effect of sequence changes on RNA splicing suggest that this variant may disrupt the consensus splice site. In summary, the available evidence is currently insufficient to determine the role of this variant in disease. Therefore, it has been classified as a Variant of Uncertain Significance.

Literature cited by the submitters: PubMed 17576681; PubMed 9536098.

NM_002206.3(ITGA7):c.3184-3T>C

Gene: ITGA7 (integrin subunit alpha 7; minus strand). Cytogenetic location: 12q13.2.
Variant type: single nucleotide variant.
Coding change: c.3184-3T>C on transcript NM_002206.3 (MANE Select); 3 bases into the intron before coding-DNA position 3184, T replaced by C.
Molecular consequence: intron variant.
Genome position (GRCh38, 1-based): chr12:55,685,291, A>G on the plus strand (T>C on the coding strand, the complement: ITGA7 is on the minus strand). VCF-style: chr12-55685291-A-G. GRCh37 (hg19) VCF-style: chr12-56079075-A-G.
Other names: c.2905-3T>C (NM_001144997.2); c.2857-3T>C (NM_001367993.1); c.2845-3T>C (NM_001414035.1); c.3001-3T>C (NM_001414033.1); c.1840-3T>C (NM_001367994.1); c.3064-3T>C (NM_001414032.1); c.3097-3T>C (NM_001414031.1); c.3166-3T>C (NM_001374465.1); and 5 more.
Identifiers: ClinVar variation 1499595 (VCV001499595.3), dbSNP rs950519835, ClinGen allele CA2538629807.